The following is an entry in ClinVar:

ClinVar aggregate classification (germline): Conflicting classifications of pathogenicity. Review status: criteria provided, conflicting classifications (1 of 4 stars). 2 submissions from 2 submitters: Uncertain significance (1); Likely benign (1). Last evaluated 2024-03-18.

Allele frequency attached by ClinVar (database versions not stated): ExAC 0.00009; gnomAD exomes 0.00010; ESP Exome Variant Server 0.00015; gnomAD 0.00018 and 0.00019; TOPMed 0.00026; 1000 Genomes Project 0.00080; 1000 Genomes Project 30x 0.00094.
gnomAD v4.1: 100 of 1,613,904 alleles (0.0062%); highest among the groups gnomAD compares: African/African-American, 0.077%; no homozygotes.

Submissions (2):

Labcorp Genetics (formerly Invitae), Labcorp
Classification: Likely benign. Last evaluated: 2024-03-18. Review status: criteria provided, single submitter. Criteria: Invitae Variant Classification Sherloc (09022015). Collection method: clinical testing. Allele origin: germline.

GeneDx
Classification: Uncertain significance. Last evaluated: 2019-03-14. Review status: criteria provided, single submitter. Criteria: GeneDx Variant Classification Process June 2021. Collection method: clinical testing. Allele origin: germline. Affected: yes.
Comment: In-silico analyses, which includes splice predictors and evolutionary conservation, suggest this variant may impact gene splicing. In the absence of RNA/functional studies, the actual effect of this sequence change is unknown.; Has not been previously published as pathogenic or benign to our knowledge

NM_003235.5(TG):c.4638C>T (p.Gly1546=)

Gene: TG (thyroglobulin; plus strand). Cytogenetic location: 8q24.22.
Variant type: single nucleotide variant.
Coding change: c.4638C>T on transcript NM_003235.5 (MANE Select); coding-DNA position 4638, C replaced by T.
Protein change: p.Gly1546=; no amino-acid change (glycine 1546 retained).
Molecular consequence: synonymous variant.
Genome position (GRCh38, 1-based): chr8:132,923,447, C>T. VCF-style: chr8-132923447-C-T. GRCh37 (hg19) VCF-style: chr8-133935692-C-T.
Identifiers: ClinVar variation 753381 (VCV000753381.9), dbSNP rs116663504, ClinGen allele CA4884197.
Genomic context (GRCh38, chr8:132,923,447, plus strand): 5'-TGGCCAGTATCGAGCCAGCCAGAAGGACAGGGGCAGTGGGAAGGCCTTCTGTGTGGACGG[C>T]GAGGGGCGGAGGCTGCCATGGTGGGAAACAGAGGCCCCTCTTGAGGACTCACAGTGTTTG-3'
Protein context (NP_003226.4, residues 1536-1556): RGSGKAFCVD[Gly1546=]EGRRLPWWET